The following is an entry in ClinVar:

ClinVar aggregate classification (germline): Uncertain significance. Review status: criteria provided, multiple submitters, no conflicts (2 of 4 stars). 3 submissions from 3 submitters: Uncertain significance (3). Last evaluated 2024-12-16.

Allele frequency attached by ClinVar (database versions not stated): gnomAD 0.00001; gnomAD exomes 0.00001; TOPMed 0.00002.
gnomAD v4.1: 16 of 1,613,946 alleles (0.00099%); highest among the groups gnomAD compares: Middle Eastern, 0.016%; no homozygotes.

Submissions (3):

Labcorp Genetics (formerly Invitae), Labcorp
Classification: Uncertain significance. Last evaluated: 2024-12-16. Review status: criteria provided, single submitter. Criteria: Invitae Variant Classification Sherloc (09022015). Collection method: clinical testing. Allele origin: germline.
Comment: This sequence change replaces asparagine, which is neutral and polar, with serine, which is neutral and polar, at codon 3709 of the USH2A protein (p.Asn3709Ser). This variant is present in population databases (no rsID available, gnomAD 0.009%). This variant has not been reported in the literature in individuals affected with USH2A-related conditions. ClinVar contains an entry for this variant (Variation ID: 2163737). Invitae Evidence Modeling of protein sequence and biophysical properties (such as structural, functional, and spatial information, amino acid conservation, physicochemical variation, residue mobility, and thermodynamic stability) has been performed for this missense variant. However, the output from this modeling did not meet the statistical confidence thresholds required to predict the impact of this variant on USH2A protein function. In summary, the available evidence is currently insufficient to determine the role of this variant in disease. Therefore, it has been classified as a Variant of Uncertain Significance.

GeneDx
Classification: Uncertain significance. Last evaluated: 2024-08-12. Review status: criteria provided, single submitter. Criteria: GeneDx Variant Classification Process June 2021. Collection method: clinical testing. Allele origin: germline. Affected: yes.
Comment: In silico analysis supports that this missense variant has a deleterious effect on protein structure/function; Has not been previously published as pathogenic or benign to our knowledge

Blueprint Genetics
Classification: Uncertain significance. Last evaluated: 2024-07-09. Review status: criteria provided, single submitter. Criteria: ACMG Guidelines, 2015. Collection method: clinical testing. Allele origin: germline.

NM_206933.4(USH2A):c.11126A>G (p.Asn3709Ser)

Gene: USH2A (usherin; minus strand). Cytogenetic location: 1q41.
Variant type: single nucleotide variant.
Coding change: c.11126A>G on transcript NM_206933.4 (MANE Select); coding-DNA position 11126, A replaced by G.
Protein change: p.Asn3709Ser; replaces asparagine 3709 with serine.
Molecular consequence: missense variant.
Genome position (GRCh38, 1-based): chr1:215,759,765, T>C on the plus strand (A>G on the coding strand, the complement: USH2A is on the minus strand). VCF-style: chr1-215759765-T-C. GRCh37 (hg19) VCF-style: chr1-215933107-T-C.
Other names: c.11126A>G (NM_206933.2); short protein forms N3709S.
Identifiers: ClinVar variation 2163737 (VCV002163737.3), dbSNP rs1004773777, ClinGen allele CA37426029.